The following is an entry in ClinVar:

ClinVar aggregate classification (germline): Likely benign. Review status: criteria provided, multiple submitters, no conflicts (2 of 4 stars). 3 submissions from 3 submitters: Likely benign (3). Last evaluated 2025-12-26.

Allele frequency attached by ClinVar (database versions not stated): 1000 Genomes Project 0.00060; 1000 Genomes Project 30x 0.00062; gnomAD exomes 0.00081 and 0.00197; ExAC 0.00084; TOPMed 0.00098; gnomAD 0.00114 and 0.00116; ESP Exome Variant Server 0.00209.
gnomAD v4.1: 3,031 of 1,596,182 alleles (0.19%); highest among the groups gnomAD compares: Non-Finnish European, 0.24%; 4 homozygotes.

Submissions (3):

Labcorp Genetics (formerly Invitae), Labcorp
Classification: Likely benign. Last evaluated: 2025-12-26. Review status: criteria provided, single submitter. Criteria: Invitae Variant Classification Sherloc (09022015). Collection method: clinical testing. Allele origin: germline.

Blueprint Genetics
Classification: Likely benign. Last evaluated: 2024-11-25. Review status: criteria provided, single submitter. Criteria: ACMG Guidelines, 2015. Collection method: clinical testing. Allele origin: germline.

CeGaT Center for Human Genetics Tuebingen
Classification: Likely benign. Last evaluated: 2024-08-01. Review status: criteria provided, single submitter. Criteria: CeGaT Center For Human Genetics Tuebingen Variant Classification Criteria Version 2. Collection method: clinical testing. Allele origin: germline. Affected: yes. Observed: 2 variant alleles.
Comment: POLR1A: BP4, BP7

NM_015425.6(POLR1A):c.450C>T (p.Pro150=)

Gene: POLR1A (RNA polymerase I subunit A; minus strand). Cytogenetic location: 2p11.2.
Variant type: single nucleotide variant.
Coding change: c.450C>T on transcript NM_015425.6 (MANE Select); coding-DNA position 450, C replaced by T.
Protein change: p.Pro150=; no amino-acid change (proline 150 retained).
Molecular consequence: synonymous variant.
Genome position (GRCh38, 1-based): chr2:86,089,912, G>A on the plus strand (C>T on the coding strand, the complement: POLR1A is on the minus strand). VCF-style: chr2-86089912-G-A. GRCh37 (hg19) VCF-style: chr2-86317035-G-A.
Identifiers: ClinVar variation 730448 (VCV000730448.34), dbSNP rs187487275, ClinGen allele CA1746657.